The following is an entry in ClinVar:

ClinVar aggregate classification (germline): Likely pathogenic. Review status: reviewed by expert panel (3 of 4 stars). 8 submissions from 8 submitters: Likely pathogenic (1). 7 of the submissions do not count toward it. Last evaluated 2019-07-14.

Conditions:
Phenylketonuria (PKU). Also called: FOLLING DISEASE; Phenylketonuria (PKU); Phenylketonurias; OLIGOPHRENIA PHENYLPYRUVICA. Identifiers: Orphanet 716, MedGen C0031485, MONDO:0009861, OMIM 261600. Disease mechanism: loss of function.

Allele frequency attached by ClinVar (database versions not stated): TOPMed below 0.00001; gnomAD 0.00001; ExAC 0.00002; gnomAD exomes 0.00002.
gnomAD v4.1: 26 of 1,613,836 alleles (0.0016%); highest among the groups gnomAD compares: Middle Eastern, 0.016%; no homozygotes.

Submissions (8):

ClinGen PAH Variant Curation Expert Panel
Classification: Likely pathogenic for Phenylketonuria. Last evaluated: 2019-07-14. Review status: reviewed by expert panel. Criteria: ClinGen PAH ACMG Specifications v1. Collection method: curation. Allele origin: germline. Inheritance: Autosomal recessive inheritance.
Comment: The c.889C>T (p.R297C) variant in PAH has been reported in multiple individuals with PAH deficiency (BH4 deficiency excluded: PMID: 8807331, 21307867). It was detected in trans with the pathogenic variant IVS12nt1 (VarID576; PMID 8807331). This variant has an extremely low allele frequency in gnomAD (7/245782). Two other missense variants at the same codon are pathogenic. (92750). Computational prediction tools and conservation analysis suggest that the c.889C>T variant may impact the protein. Overall, this variant meets criteria to be classified as likely pathogenic for PAH. PAH-specific ACMG/AMP criteria applied: PP3, PM2, PM3, PM5, PP4_moderate.

GeneDx
Classification: Pathogenic. Last evaluated: 2026-09-28. Review status: criteria provided, single submitter. Criteria: GeneDx Variant Classification Process June 2021. Collection method: clinical testing. Allele origin: germline. Not counted in ClinVar's aggregate classification.
Comment: Not observed at significant frequency in large population cohorts (gnomAD); In silico analysis suggests that this missense variant does not alter protein structure/function; This variant is associated with the following publications: (PMID: 25596310, 24401910, 9298832, 8807331, 39843441, 32668217, 30275481, 33803550, 28179590, 21307867, 27121329, 26659599, 24311986, 27915290, 35887629, 29273096, 23357515, 10234516, 33564846, 17924342, 33465300, 41245228)

Natera, Inc.
Classification: Pathogenic for Phenylketonuria. Last evaluated: 2025-08-20. Review status: criteria provided, single submitter. Criteria: Natera Variant Classification Schema (03/2026). Collection method: clinical testing. Allele origin: germline. Not counted in ClinVar's aggregate classification.
Comment: The c.889C>T variant in PAH is a missense variant predicted to cause substitution of arginine to cysteine at amino acid 297. This variant is rare in the general population with a frequency below the threshold expected for the associated phenotype(s). This variant has been observed in one or more individuals affected with the associated recessive disease, as either homozygous or compound heterozygous with a second variant (PMID: 33465300, 27121329, 32668217). This variant is located in a functionally critical region of the protein. A different variant at the same position has been determined to be Pathogenic or Likely Pathogenic. Computational prediction algorithms indicate this variant is likely to affect gene or protein function. Given the available evidence, this variant is classified as Pathogenic.

Labcorp Genetics (formerly Invitae), Labcorp
Classification: Pathogenic for Phenylketonuria. Last evaluated: 2025-03-07. Review status: criteria provided, single submitter. Criteria: Invitae Variant Classification Sherloc (09022015). Collection method: clinical testing. Allele origin: germline. Not counted in ClinVar's aggregate classification.
Comment: This sequence change replaces arginine, which is basic and polar, with cysteine, which is neutral and slightly polar, at codon 297 of the PAH protein (p.Arg297Cys). This variant is present in population databases (rs62642945, gnomAD 0.02%). This missense change has been observed in individual(s) with hyperphenylalaninemia (PMID: 8807331, 10234516, 21307867, 23357515, 27121329). In at least one individual the data is consistent with being in trans (on the opposite chromosome) from a pathogenic variant. ClinVar contains an entry for this variant (Variation ID: 102885). Invitae Evidence Modeling of protein sequence and biophysical properties (such as structural, functional, and spatial information, amino acid conservation, physicochemical variation, residue mobility, and thermodynamic stability) indicates that this missense variant is not expected to disrupt PAH protein function with a negative predictive value of 80%. This variant disrupts the p.Arg297 amino acid residue in PAH. Other variant(s) that disrupt this residue have been determined to be pathogenic (PMID: 9298832, 25596310, 27121329). This suggests that this residue is clinically significant, and that variants that disrupt this residue are likely to be disease-causing. For these reasons, this variant has been classified as Pathogenic.

3billion
Classification: Pathogenic for Phenylketonuria. Last evaluated: 2022-09-01. Review status: criteria provided, single submitter. Criteria: ACMG Guidelines, 2015. Collection method: clinical testing. Allele origin: germline. Affected: yes. Observed: 1 heterozygote. Not counted in ClinVar's aggregate classification.
Comment: The variant is observed at an extremely low frequency in the gnomAD v2.1.1 dataset (total allele frequency: 0.002%). Missense changes are a common disease-causing mechanism. Functional studies provide strong evidence of the variant having a damaging effect on the gene or gene product (PMID: 24401910). In silico tool predictions suggest damaging effect of the variant on gene or gene product (REVEL: 0.82; 3Cnet: 0.96). Same nucleotide change resulting in same amino acid change has been previously reported as pathogenic/likely pathogenic with strong evidence (ClinVar ID: VCV000102885). Different missense changes at the same codon (p.Arg297His, p.Arg297Leu) have been reported as pathogenic/likely pathogenic with strong evidence (ClinVar ID: VCV000092750 , VCV000805823). Therefore, this variant is classified as Pathogenic according to the recommendation of ACMG/AMP guideline.

Laboratory for Molecular Medicine, Mass General Brigham Personalized Medicine
Classification: Likely pathogenic for Phenylketonuria. Last evaluated: 2022-08-26. Review status: criteria provided, single submitter. Criteria: ACMG Guidelines, 2015. Collection method: clinical testing. Allele origin: germline. Not counted in ClinVar's aggregate classification.
Comment: The p.Arg297Cys variant in PAH has been reported in multiple (>10) individuals with phenylalanine hydroxylase deficiency and mild hyperphenylalaninemia, most frequently as compound heterozygotes in trans with other known pathogenic variants (Eiken 1996 PMID: 8807331, Okano 2011 PMID: 21307867, Hillert 2020 PMID: 32668217, Odagiri 2021 PMID: 33803550, Ferreira 2021 PMID: 33465300). This variant has been previously reported in gnomAD in the European (non-Finnish) population (1/68040), and has been reported in ClinVar as likely pathogenic by the ClinGen PAH Variant Curation Expert Panel (Variation ID 102885). Computational prediction tools and conservation analyses do not provide strong support for or against an impact to the protein. Two additional variants involving this codon (p.Arg297Leu and p.Arg297His) have been identified in individuals with phenylalanine hydroxylase deficiency and are classified as likely pathogenic or pathogenic by the ClinGen PAH Variant Curation Expert Panel. In summary, this variant meets criteria to be classified as pathogenic for autosomal recessive PAH deficiency. ACMG/AMP criteria applied: PM3_Strong, PM5_Strong, PM2_Supporting, PP3.

Fulgent Genetics
Classification: Pathogenic for Phenylketonuria. Last evaluated: 2022-05-25. Review status: criteria provided, single submitter. Criteria: ACMG Guidelines, 2015. Collection method: clinical testing. Allele origin: unknown. Not counted in ClinVar's aggregate classification.

DeBelle Laboratory for Biochemical Genetics, MUHC/MCH RESEARCH INSTITUTE
No classification provided. Review status: no classification provided. Collection method: not provided. Allele origin: not provided. Not counted in ClinVar's aggregate classification.

Literature cited by the submitters: PubMed 21307867 (cited by ClinGen PAH Variant Curation Expert Panel and Labcorp Genetics (formerly Invitae), Labcorp); PubMed 8807331 (cited by ClinGen PAH Variant Curation Expert Panel and Labcorp Genetics (formerly Invitae), Labcorp); PubMed 27121329 (cited by 3 submitters); PubMed 33465300 (cited by Natera, Inc.); PubMed 32668217 (cited by Natera, Inc.); PubMed 10234516 (cited by Labcorp Genetics (formerly Invitae), Labcorp); PubMed 23357515 (cited by Labcorp Genetics (formerly Invitae), Labcorp); PubMed 9298832 (cited by Labcorp Genetics (formerly Invitae), Labcorp); PubMed 25596310 (cited by Labcorp Genetics (formerly Invitae), Labcorp); PubMed 24401910 (cited by 3billion).

NM_000277.3(PAH):c.889C>T (p.Arg297Cys)

Genes: PAH (phenylalanine hydroxylase; minus strand), LOC126861615 (CDK7 strongly-dependent group 2 enhancer GRCh37_chr12:103244689-103245888; plus strand). Cytogenetic location: 12q23.2.
Variant type: single nucleotide variant.
Coding change: c.889C>T on transcript NM_000277.3 (MANE Select); coding-DNA position 889, C replaced by T.
Protein change: p.Arg297Cys; replaces arginine 297 with cysteine.
Molecular consequence: missense variant.
Genome position (GRCh38, 1-based): chr12:102,851,710, G>A on the plus strand (C>T on the coding strand, the complement: PAH is on the minus strand). VCF-style: chr12-102851710-G-A. GRCh37 (hg19) VCF-style: chr12-103245488-G-A.
Other names: c.889C>T, p.Arg297Cys (NM_001354304.2); c.889C>T (NM_000277.2); short protein forms R297C.
Identifiers: ClinVar variation 102885 (VCV000102885.20), dbSNP rs62642945, ClinGen allele CA229836.